The following is an entry in ClinVar:

ClinVar aggregate classification (germline): Uncertain significance. Review status: criteria provided, multiple submitters, no conflicts (2 of 4 stars). 2 submissions from 2 submitters: Uncertain significance (2). Last evaluated 2022-10-10.

Conditions:
Polyglandular autoimmune syndrome, type 1 (APS1). Also called: PGA I; Autoimmune polyendocrinopathy syndrome , type I, with or without reversible metaphyseal dysplasia; HYPOADRENOCORTICISM WITH HYPOPARATHYROIDISM AND SUPERFICIAL MONILIASIS; Autoimmune polyendocrine syndrome type 1; Autoimmune polyendocrinopathy syndrome, type I; AUTOIMMUNE POLYENDOCRINE SYNDROME, TYPE I, WITH OR WITHOUT REVERSIBLE METAPHYSEAL DYSPLASIA. Identifiers: Orphanet 3453, MedGen C0085859, MONDO:0009411, OMIM 240300.

Allele frequency attached by ClinVar (database versions not stated): gnomAD exomes below 0.00001.
gnomAD v4.1: 3 of 1,612,582 alleles (0.00019%); highest among the groups gnomAD compares: Admixed American, 0.0033%; no homozygotes.

Submissions (2):

Illumina Laboratory Services, Illumina
Classification: Uncertain significance. Last evaluated: 2022-10-10. Review status: criteria provided, single submitter. Criteria: ICSL CNVClassificationCriteria Aug2020. Collection method: clinical testing. Allele origin: unknown. Affected: yes.
Comment: The AIRE c.440C>T (p.Thr147Ile) missense variant results in the substitution of threonine at amino acid position 147 with isoleucine. To our knowledge, this variant has not been reported in the peer-reviewed literature. This variant is not found in version 2.1.1 or version 3.1.2 of the Genome Aggregation Database. Based on the available evidence, the c.440C>T (p.Thr147Ile) variant is classified as a variant of uncertain significance for autoimmune polyendocrinopathy syndrome.

Labcorp Genetics (formerly Invitae), Labcorp
Classification: Uncertain significance for Polyglandular autoimmune syndrome, type 1. Last evaluated: 2022-04-04. Review status: criteria provided, single submitter. Criteria: Invitae Variant Classification Sherloc (09022015). Collection method: clinical testing. Allele origin: germline.
Comment: This sequence change replaces threonine, which is neutral and polar, with isoleucine, which is neutral and non-polar, at codon 147 of the AIRE protein (p.Thr147Ile). This variant is not present in population databases (gnomAD no frequency). This variant has not been reported in the literature in individuals affected with AIRE-related conditions. Algorithms developed to predict the effect of missense changes on protein structure and function (SIFT, PolyPhen-2, Align-GVGD) all suggest that this variant is likely to be tolerated. In summary, the available evidence is currently insufficient to determine the role of this variant in disease. Therefore, it has been classified as a Variant of Uncertain Significance.

NM_000383.4(AIRE):c.440C>T (p.Thr147Ile)

Gene: AIRE (autoimmune regulator; plus strand). Cytogenetic location: 21q22.3.
Variant type: single nucleotide variant.
Coding change: c.440C>T on transcript NM_000383.4 (MANE Select); coding-DNA position 440, C replaced by T.
Protein change: p.Thr147Ile; replaces threonine 147 with isoleucine.
Molecular consequence: missense variant.
Genome position (GRCh38, 1-based): chr21:44,287,110, C>T. VCF-style: chr21-44287110-C-T. GRCh37 (hg19) VCF-style: chr21-45706993-C-T.
Other names: short protein forms T147I.
Identifiers: ClinVar variation 2193315 (VCV002193315.4), dbSNP rs2517877037, ClinGen allele CA410423837.